The following is an entry in ClinVar:

ClinVar aggregate classification (germline): Uncertain significance (1 of 4 stars; one submission).

Conditions:
Inborn genetic diseases. Identifiers: MedGen C0950123, MeSH D030342.

Submission:

Ambry Genetics
Classification: Uncertain significance for Inborn genetic diseases. Last evaluated: 2020-06-30. Review status: criteria provided, single submitter. Criteria: Ambry Variant Classification Scheme 2023. Collection method: clinical testing. Allele origin: germline.
Comment: The p.G246C variant (also known as c.736G>T), located in coding exon 6 of the FUS gene, results from a G to T substitution at nucleotide position 736. The glycine at codon 246 is replaced by cysteine, an amino acid with highly dissimilar properties. This amino acid position is highly conserved in available vertebrate species. In addition, this alteration is predicted to be deleterious by in silico analysis. Since supporting evidence is limited at this time, the clinical significance of this alteration remains unclear.

NM_004960.4(FUS):c.736G>T (p.Gly246Cys)

Gene: FUS (FUS RNA binding protein; plus strand). Cytogenetic location: 16p11.2.
Variant type: single nucleotide variant.
Coding change: c.736G>T on transcript NM_004960.4 (MANE Select); coding-DNA position 736, G replaced by T.
Protein change: p.Gly246Cys; replaces glycine 246 with cysteine.
Molecular consequence: missense variant. On other transcripts: non-coding transcript variant (1).
Genome position (GRCh38, 1-based): chr16:31,185,151, G>T. VCF-style: chr16-31185151-G-T. GRCh37 (hg19) VCF-style: chr16-31196472-G-T.
Other names: c.733G>T, p.Gly245Cys (NM_001170634.1); c.724G>T, p.Gly242Cys (NM_001170937.1); short protein forms G242C, G245C, G246C.
Identifiers: ClinVar variation 1758561 (VCV001758561.2), dbSNP rs1240931401, ClinGen allele CA395670812.